The following is an entry in ClinVar:

ClinVar aggregate classification (germline): Likely benign (1 of 4 stars; one submission).

gnomAD v4.1: 5 of 1,614,128 alleles (0.00031%); highest among the groups gnomAD compares: African/African-American, 0.0027%; no homozygotes.

Submission:

CeGaT Center for Human Genetics Tuebingen
Classification: Likely benign. Last evaluated: 2026-06-01. Review status: criteria provided, single submitter. Criteria: CeGaT Center For Human Genetics Tuebingen Variant Classification Criteria Version 2. Collection method: clinical testing. Allele origin: germline. Affected: yes. Observed: 1 variant allele.
Comment: MCTP2: BP4, BP7

NM_001385001.1(MCTP2):c.93C>T (p.Asn31=)

Gene: MCTP2 (multiple C2 and transmembrane domain containing 2; plus strand). Cytogenetic location: 15q26.2.
Variant type: single nucleotide variant.
Coding change: c.93C>T on transcript NM_001385001.1 (MANE Select); coding-DNA position 93, C replaced by T.
Protein change: p.Asn31=; no amino-acid change (asparagine 31 retained).
Molecular consequence: synonymous variant. On other transcripts: 5 prime UTR variant (2), non-coding transcript variant (7), intron variant (2).
Genome position (GRCh38, 1-based): chr15:94,298,358, C>T. VCF-style: chr15-94298358-C-T. GRCh37 (hg19) VCF-style: chr15-94841587-C-T.
Other names: c.93C>T, p.Asn31= (NM_001159643.2, NM_001385002.1, NM_001385003.1 and 5 more transcripts); c.-248C>T (NM_001385007.1, NM_001385011.1); c.-33-15924C>T (NM_001385009.1, NM_001385010.1).
Identifiers: ClinVar variation 4874032 (VCV004874032.2).